The following is an entry in ClinVar:

ClinVar aggregate classification (germline): Uncertain significance (1 of 4 stars; one submission).

Conditions:
Charcot-Marie-Tooth disease type 2A2. Also called: Charcot-Marie-Tooth Neuropathy Type 2A2; CHARCOT-MARIE-TOOTH DISEASE, AXONAL, TYPE 2A2; CHARCOT-MARIE-TOOTH DISEASE, NEURONAL, TYPE 2A2; HEREDITARY MOTOR AND SENSORY NEUROPATHY IIA2; HMSN IIA2; CHARCOT-MARIE-TOOTH DISEASE, AXONAL, AUTOSOMAL DOMINANT, TYPE 2A2A. Identifiers: Orphanet 99947, MedGen C4721887, MONDO:0012231, OMIM 609260.

Submission:

Neuberg Centre For Genomic Medicine, NCGM
Classification: Uncertain significance for Charcot-Marie-Tooth disease type 2A2. Review status: criteria provided, single submitter. Criteria: ACMG Guidelines, 2015. Collection method: clinical testing. Allele origin: germline. Inheritance: Autosomal dominant inheritance. Affected: yes.
Comment: The missense variant in c.2096T>C (p.Leu699Pro) in MFN2 gene reported previously in heterozygous state in one individual affected with Charcot-Marie-Tooth disease, axonal, autosomal dominant, type 2A2A (Engelfried K et al.). The p.Leu699Pro variant is novel (not in any individuals) in gnomAD Exomes and 1000 Genomes. The amino acid Leu at position 699 is changed to a Pro changing protein sequence and it might alter its composition and physico-chemical properties The variant is predicted to be damaging by both SIFT and PolyPhen2. The residue is conserved across species. The amino acid change p.Leu699Pro in MFN2 is predicted as conserved by GERP++ and PhyloP across 100 vertebrates. For these reasons, this variant has been classified as Uncertain Significance.

NM_014874.4(MFN2):c.2096T>C (p.Leu699Pro)

Gene: MFN2 (mitofusin 2; plus strand). Cytogenetic location: 1p36.22.
Variant type: single nucleotide variant.
Coding change: c.2096T>C on transcript NM_014874.4 (MANE Select); coding-DNA position 2096, T replaced by C.
Protein change: p.Leu699Pro; replaces leucine 699 with proline.
Molecular consequence: missense variant.
Genome position (GRCh38, 1-based): chr1:12,009,618, T>C. VCF-style: chr1-12009618-T-C. GRCh37 (hg19) VCF-style: chr1-12069675-T-C.
Other names: c.2096T>C, p.Leu699Pro (NM_001127660.2); short protein forms L699P.
Identifiers: ClinVar variation 2585501 (VCV002585501.1), dbSNP rs2523122217, ClinGen allele CA338453014.